The following is an entry in ClinVar:

ClinVar aggregate classification (germline): Likely benign (1 of 4 stars; one submission).

Conditions:
Familial intrahepatic cholestasis. Identifiers: Orphanet 284385, MedGen CN296401, MONDO:0017290.

Submission:

Genomenon, Inc
Classification: Likely benign for Familial intrahepatic cholestasis. Last evaluated: 2026-04-14. Review status: criteria provided, single submitter. Criteria: Genomenon Sequence Variant Interpretation Standards - Updated. Collection method: curation. Allele origin: germline. Affected: no.
Comment: ABCB11 c.2625G>A is a synonymous variant that retains Glutamine at residue 875. This variant has been reported in the published literature (PMID:23022423). It is absent or not present at a significant frequency in gnomAD. This synonymous variant is not predicted to impact splicing. In conclusion, we classify ABCB11 p.Gln875= (c.2625G>A) as a likely benign variant.

Literature cited by the submitters: PubMed 23022423.

NM_003742.4(ABCB11):c.2625G>A (p.Gln875=)

Genes: ABCB11 (ATP binding cassette subfamily B member 11; minus strand), LOC126806400 (CDK7 strongly-dependent group 2 enhancer GRCh37_chr2:169791870-169793069; plus strand). Cytogenetic location: 2q31.1.
Variant type: single nucleotide variant.
Coding change: c.2625G>A on transcript NM_003742.4 (MANE Select); coding-DNA position 2625, G replaced by A.
Protein change: p.Gln875=; no amino-acid change (glutamine 875 retained).
Molecular consequence: synonymous variant.
Genome position (GRCh38, 1-based): chr2:168,936,419, C>T on the plus strand (G>A on the coding strand, the complement: ABCB11 is on the minus strand). VCF-style: chr2-168936419-C-T. GRCh37 (hg19) VCF-style: chr2-169792929-C-T.
Identifiers: ClinVar variation 4846138 (VCV004846138.1).